The following is an entry in ClinVar:

NM_024334.3(TMEM43):c.1127C>A (p.Ala376Asp)

Gene: TMEM43 (transmembrane protein 43; plus strand). Cytogenetic location: 3p25.1.
Variant type: single nucleotide variant.
Coding change: c.1127C>A on transcript NM_024334.3 (MANE Select); coding-DNA position 1127, C replaced by A.
Protein change: p.Ala376Asp; replaces alanine 376 with aspartic acid.
Molecular consequence: missense variant.
Genome position (GRCh38, 1-based): chr3:14,141,719, C>A. VCF-style: chr3-14141719-C-A. GRCh37 (hg19) VCF-style: chr3-14183219-C-A.
Other names: c.1130C>A, p.Ala377Asp (NM_001407274.1); c.1124C>A, p.Ala375Asp (NM_001407275.1, NM_001407276.1); c.1121C>A, p.Ala374Asp (NM_001407277.1); c.1112C>A, p.Ala371Asp (NM_001407278.1); c.1052C>A, p.Ala351Asp (NM_001407279.1); c.977C>A, p.Ala326Asp (NM_001407280.1); short protein forms A326D, A351D, A371D, A374D, A375D, A376D, A377D.
Identifiers: ClinVar variation 1721304 (VCV001721304.5), dbSNP rs1482052841, ClinGen allele CA351536586.

ClinVar aggregate classification (germline): Uncertain significance (1 of 4 stars; one submission).

Conditions:
Arrhythmogenic right ventricular dysplasia 5. Also called: Arrhythmogenic Right Ventricular Dysplasia/Cardiomyopathy 5; ARRHYTHMOGENIC RIGHT VENTRICULAR DYSPLASIA, FAMILIAL, 5. Identifiers: MedGen C1858379, MONDO:0011459, OMIM 604400.

Submission:

Labcorp Genetics (formerly Invitae), Labcorp
Classification: Uncertain significance for Arrhythmogenic right ventricular dysplasia 5. Last evaluated: 2022-10-08. Review status: criteria provided, single submitter. Criteria: Invitae Variant Classification Sherloc (09022015). Collection method: clinical testing. Allele origin: germline.
Comment: In summary, the available evidence is currently insufficient to determine the role of this variant in disease. Therefore, it has been classified as a Variant of Uncertain Significance. Advanced modeling of protein sequence and biophysical properties (such as structural, functional, and spatial information, amino acid conservation, physicochemical variation, residue mobility, and thermodynamic stability) performed at Invitae indicates that this missense variant is expected to disrupt TMEM43 protein function. This variant has not been reported in the literature in individuals affected with TMEM43-related conditions. This variant is not present in population databases (gnomAD no frequency). This sequence change replaces alanine, which is neutral and non-polar, with aspartic acid, which is acidic and polar, at codon 376 of the TMEM43 protein (p.Ala376Asp).